The following is an entry in ClinVar:

ClinVar aggregate classification (germline): Uncertain significance (1 of 4 stars; one submission).

Conditions:
CACNA1H-related disorder.

Submission:

PreventionGenetics, part of Exact Sciences
Classification: Uncertain significance for CACNA1H-related condition. Last evaluated: 2026-05-31. Review status: criteria provided, single submitter. Criteria: ACMG Guidelines, 2015. Collection method: clinical testing. Allele origin: germline.
Comment: The CACNA1H c.6451G>A variant is predicted to result in the amino acid substitution p.Asp2151Asn. To our knowledge, this variant has not been reported in the literature or in a large population database (gnomAD), indicating this variant is rare. At this time, the clinical significance of this variant is uncertain due to the absence of conclusive functional and genetic evidence.

NM_021098.3(CACNA1H):c.6451G>A (p.Asp2151Asn)

Gene: CACNA1H (calcium voltage-gated channel subunit alpha1 H; plus strand). Cytogenetic location: 16p13.3.
Variant type: single nucleotide variant.
Coding change: c.6451G>A on transcript NM_021098.3 (MANE Select); coding-DNA position 6451, G replaced by A.
Protein change: p.Asp2151Asn; replaces aspartic acid 2151 with asparagine.
Molecular consequence: missense variant.
Genome position (GRCh38, 1-based): chr16:1,220,383, G>A. VCF-style: chr16-1220383-G-A. GRCh37 (hg19) VCF-style: chr16-1270383-G-A.
Other names: c.6433G>A, p.Asp2145Asn (NM_001005407.2); short protein forms D2145N, D2151N.
Identifiers: ClinVar variation 4994489 (VCV004994489.1).